The following is an entry in ClinVar:

NM_014000.3(VCL):c.1254A>G (p.Ile418Met)

Gene: VCL (vinculin; plus strand). Cytogenetic location: 10q22.2.
Variant type: single nucleotide variant.
Coding change: c.1254A>G on transcript NM_014000.3 (MANE Select); coding-DNA position 1254, A replaced by G.
Protein change: p.Ile418Met; replaces isoleucine 418 with methionine.
Molecular consequence: missense variant.
Genome position (GRCh38, 1-based): chr10:74,090,100, A>G. VCF-style: chr10-74090100-A-G. GRCh37 (hg19) VCF-style: chr10-75849858-A-G.
Other names: c.1254A>G, p.Ile418Met (NM_003373.4); short protein forms I418M.
Identifiers: ClinVar variation 3226284 (VCV003226284.1), dbSNP rs2549223317, ClinGen allele CA377273222.

ClinVar aggregate classification (germline): Uncertain significance (1 of 4 stars; one submission).

Conditions:
Cardiovascular phenotype. Identifiers: MedGen CN230736.

Submission:

Ambry Genetics
Classification: Uncertain significance for Cardiovascular phenotype. Last evaluated: 2023-09-24. Review status: criteria provided, single submitter. Criteria: Ambry Variant Classification Scheme 2023. Collection method: clinical testing. Allele origin: germline.
Comment: The p.I418M variant (also known as c.1254A>G), located in coding exon 10 of the VCL gene, results from an A to G substitution at nucleotide position 1254. The isoleucine at codon 418 is replaced by methionine, an amino acid with highly similar properties. This amino acid position is conserved. In addition, the in silico prediction for this alteration is inconclusive. Since supporting evidence is limited at this time, the clinical significance of this alteration remains unclear.